The following is an entry in ClinVar:

NC_000007.13:g.(?_6035155)_(6043699_?)del

Gene: PMS2 (PMS1 homolog 2, mismatch repair system component; minus strand). Cytogenetic location: 7p22.1.
Variant type: Deletion.
Identifiers: ClinVar variation 1071164 (VCV001071164.7).

ClinVar aggregate classification (germline): Pathogenic (1 of 4 stars; one submission).

Conditions:
Hereditary nonpolyposis colorectal neoplasms. Identifiers: MedGen C0009405, MeSH D003123.

Submission:

Labcorp Genetics (formerly Invitae), Labcorp
Classification: Pathogenic for Hereditary nonpolyposis colorectal neoplasms. Last evaluated: 2020-01-02. Review status: criteria provided, single submitter. Criteria: Invitae Variant Classification Sherloc (09022015). Collection method: clinical testing. Allele origin: germline.
Comment: For these reasons, this variant has been classified as Pathogenic. Loss-of-function variants in PMS2 are known to be pathogenic (PMID: 21376568, 24362816). This variant has been observed in individual(s) with breast cancer (PMID: 30086788). This variant is an out-of-frame deletion of the genomic region encompassing exon(s) 3-8 of the PMS2 gene. This is expected to create a premature translational stop signal and result in an absent or disrupted protein product.

Literature cited by the submitters: PubMed 21376568; PubMed 24362816; PubMed 30086788.